The following is an entry in ClinVar:

NM_206933.4(USH2A):c.4490C>A (p.Ser1497Tyr)

Gene: USH2A (usherin; minus strand). Cytogenetic location: 1q41.
Variant type: single nucleotide variant.
Coding change: c.4490C>A on transcript NM_206933.4 (MANE Select); coding-DNA position 4490, C replaced by A.
Protein change: p.Ser1497Tyr; replaces serine 1497 with tyrosine.
Molecular consequence: missense variant.
Genome position (GRCh38, 1-based): chr1:216,175,389, G>T on the plus strand (C>A on the coding strand, the complement: USH2A is on the minus strand). VCF-style: chr1-216175389-G-T. GRCh37 (hg19) VCF-style: chr1-216348731-G-T.
Other names: c.4490C>A, p.Ser1497Tyr (NM_007123.6); short protein forms S1497Y.
Identifiers: ClinVar variation 4527666 (VCV004527666.2).

ClinVar aggregate classification (germline): Uncertain significance. Review status: criteria provided, multiple submitters, no conflicts (2 of 4 stars). 2 submissions from 2 submitters: Uncertain significance (2). Last evaluated 2025-04-29.

Conditions:
USH2A-related disorder. Also called: USH2A-related condition; USH2A-related disorders. Identifiers: MedGen CN239332.

gnomAD v4.1: 1 of 1,613,768 alleles (0.000062%); highest among the groups gnomAD compares: Non-Finnish European, 0.000085%; no homozygotes.

Submissions (2):

GeneDx
Classification: Uncertain significance. Last evaluated: 2025-04-29. Review status: criteria provided, single submitter. Criteria: GeneDx Variant Classification Process June 2021. Collection method: clinical testing. Allele origin: germline. Affected: yes.
Comment: Not observed at significant frequency in large population cohorts (gnomAD); In silico analysis indicates that this missense variant does not alter protein structure/function; Has not been previously published as pathogenic or benign to our knowledge

PreventionGenetics, part of Exact Sciences
Classification: Uncertain significance for USH2A-related condition. Last evaluated: 2024-10-30. Review status: criteria provided, single submitter. Criteria: ACMG Guidelines, 2015. Collection method: clinical testing. Allele origin: germline.
Comment: The USH2A c.4490C>A variant is predicted to result in the amino acid substitution p.Ser1497Tyr. To our knowledge, this variant has not been reported in the literature or in a large population database (gnomAD), indicating this variant is rare. At this time, the clinical significance of this variant is uncertain due to the absence of conclusive functional and genetic evidence.